The following is an entry in ClinVar:

NM_001134363.3(RBM20):c.3124A>G (p.Thr1042Ala)

Gene: RBM20 (RNA binding motif protein 20; plus strand). Cytogenetic location: 10q25.2.
Variant type: single nucleotide variant.
Coding change: c.3124A>G on transcript NM_001134363.3 (MANE Select); coding-DNA position 3124, A replaced by G.
Protein change: p.Thr1042Ala; replaces threonine 1042 with alanine.
Molecular consequence: missense variant.
Genome position (GRCh38, 1-based): chr10:110,821,743, A>G. VCF-style: chr10-110821743-A-G. GRCh37 (hg19) VCF-style: chr10-112581501-A-G.
Other names: c.3124A>G (NM_001134363.1); short protein forms T1042A.
Identifiers: ClinVar variation 1023204 (VCV001023204.10), dbSNP rs1844914479, ClinGen allele CA378381121.

ClinVar aggregate classification (germline): Conflicting classifications of pathogenicity. Review status: criteria provided, conflicting classifications (1 of 4 stars). 3 submissions from 3 submitters: Uncertain significance (1); Likely benign (2). Last evaluated 2025-05-09.

Conditions:
Cardiovascular phenotype. Identifiers: MedGen CN230736.
Dilated cardiomyopathy 1DD (CMD1DD). Identifiers: Orphanet 154, MedGen C2750995, MONDO:0013168, OMIM 613172.

gnomAD v4.1: 1 of 1,551,800 alleles (0.000064%); highest among the groups gnomAD compares: Admixed American, 0.002%; no homozygotes.

Submissions (3):

Ambry Genetics
Classification: Likely benign for Cardiovascular phenotype. Last evaluated: 2025-05-09. Review status: criteria provided, single submitter. Criteria: Ambry Variant Classification Scheme 2023. Collection method: clinical testing. Allele origin: germline.

Labcorp Genetics (formerly Invitae), Labcorp
Classification: Uncertain significance for Dilated cardiomyopathy 1DD. Last evaluated: 2024-08-01. Review status: criteria provided, single submitter. Criteria: Invitae Variant Classification Sherloc (09022015). Collection method: clinical testing. Allele origin: germline.
Comment: This sequence change replaces threonine, which is neutral and polar, with alanine, which is neutral and non-polar, at codon 1042 of the RBM20 protein (p.Thr1042Ala). This variant is not present in population databases (gnomAD no frequency). This variant has not been reported in the literature in individuals affected with RBM20-related conditions. ClinVar contains an entry for this variant (Variation ID: 1023204). Advanced modeling of protein sequence and biophysical properties (such as structural, functional, and spatial information, amino acid conservation, physicochemical variation, residue mobility, and thermodynamic stability) performed at Invitae indicates that this missense variant is not expected to disrupt RBM20 protein function with a negative predictive value of 95%. In summary, the available evidence is currently insufficient to determine the role of this variant in disease. Therefore, it has been classified as a Variant of Uncertain Significance.

Blueprint Genetics
Classification: Likely benign. Last evaluated: 2023-02-13. Review status: criteria provided, single submitter. Criteria: ACMG Guidelines, 2015. Collection method: clinical testing. Allele origin: germline.